The following is an entry in ClinVar:

NM_001367624.2(ZNF469):c.6503G>A (p.Cys2168Tyr)

Gene: ZNF469 (zinc finger protein 469; plus strand). Cytogenetic location: 16q24.2.
Variant type: single nucleotide variant.
Coding change: c.6503G>A on transcript NM_001367624.2 (MANE Select); coding-DNA position 6503, G replaced by A.
Protein change: p.Cys2168Tyr; replaces cysteine 2168 with tyrosine.
Molecular consequence: missense variant.
Genome position (GRCh38, 1-based): chr16:88,433,973, G>A. VCF-style: chr16-88433973-G-A. GRCh37 (hg19) VCF-style: chr16-88500381-G-A.
Other names: NM_001127464.1:c.6419G>A; short protein forms C2168Y.
Identifiers: ClinVar variation 1753414 (VCV001753414.7), dbSNP rs921749050, ClinGen allele CA286381664.

ClinVar aggregate classification (germline): Uncertain significance. Review status: criteria provided, multiple submitters, no conflicts (2 of 4 stars). 3 submissions from 3 submitters: Uncertain significance (3). Last evaluated 2025-11-26.

Conditions:
Cardiovascular phenotype. Identifiers: MedGen CN230736.

Allele frequency attached by ClinVar (database versions not stated): gnomAD exomes 0.00007.
gnomAD v4.1: 102 of 1,550,132 alleles (0.0066%); highest among the groups gnomAD compares: Non-Finnish European, 0.0083%; no homozygotes.

Submissions (3):

Women's Health and Genetics/Laboratory Corporation of America, LabCorp
Classification: Uncertain significance. Last evaluated: 2025-11-26. Review status: criteria provided, single submitter. Criteria: LabCorp Variant Classification Summary - May 2015. Collection method: clinical testing. Allele origin: germline.
Comment: Variant summary: ZNF469 c.6503G>A (p.Cys2168Tyr) results in a non-conservative amino acid change in the encoded protein sequence. Algorithms developed to predict the effect of missense changes on protein structure and function are either unavailable or do not agree on the potential impact of this missense change. The variant allele was found at a frequency of 3.9e-05 in 151942 control chromosomes. The available data on variant occurrences in the general population are insufficient to allow any conclusion about variant significance. To our knowledge, no occurrence of c.6503G>A in individuals affected with ZNF469-related conditions and no experimental evidence demonstrating its impact on protein function have been reported. ClinVar contains an entry for this variant (Variation ID: 1753414). Based on the evidence outlined above, the variant was classified as uncertain significance.

Ambry Genetics
Classification: Uncertain significance for Cardiovascular phenotype. Last evaluated: 2025-05-03. Review status: criteria provided, single submitter. Criteria: Ambry Variant Classification Scheme 2023. Collection method: clinical testing. Allele origin: germline.
Comment: The p.C2140Y variant (also known as c.6419G>A), located in coding exon 2 of the ZNF469 gene, results from a G to A substitution at nucleotide position 6419. The cysteine at codon 2140 is replaced by tyrosine, an amino acid with highly dissimilar properties. This amino acid position is not well conserved in available vertebrate species. In addition, this alteration is predicted to be tolerated by in silico analysis. Since supporting evidence is limited at this time, the clinical significance of this alteration remains unclear.

Labcorp Genetics (formerly Invitae), Labcorp
Classification: Uncertain significance. Last evaluated: 2021-12-13. Review status: criteria provided, single submitter. Criteria: Invitae Variant Classification Sherloc (09022015). Collection method: clinical testing. Allele origin: germline.
Comment: This sequence change replaces cysteine, which is neutral and slightly polar, with tyrosine, which is neutral and polar, at codon 2140 of the ZNF469 protein (p.Cys2140Tyr). This variant is present in population databases (no rsID available, gnomAD 0.02%). This variant has not been reported in the literature in individuals affected with ZNF469-related conditions. Algorithms developed to predict the effect of missense changes on protein structure and function output the following: SIFT: "Deleterious"; PolyPhen-2: "Benign"; Align-GVGD: "Class C0". The tyrosine amino acid residue is found in multiple mammalian species, which suggests that this missense change does not adversely affect protein function. In summary, the available evidence is currently insufficient to determine the role of this variant in disease. Therefore, it has been classified as a Variant of Uncertain Significance.